The following is an entry in ClinVar:

NM_024675.4(PALB2):c.2562C>G (p.Asn854Lys)

Gene: PALB2 (partner and localizer of BRCA2; minus strand). Cytogenetic location: 16p12.2.
Variant type: single nucleotide variant.
Coding change: c.2562C>G on transcript NM_024675.4 (MANE Select); coding-DNA position 2562, C replaced by G.
Protein change: p.Asn854Lys; replaces asparagine 854 with lysine.
Molecular consequence: missense variant.
Genome position (GRCh38, 1-based): chr16:23,629,228, G>C on the plus strand (C>G on the coding strand, the complement: PALB2 is on the minus strand). VCF-style: chr16-23629228-G-C. GRCh37 (hg19) VCF-style: chr16-23640549-G-C.
Other names: short protein forms N854K.
Identifiers: ClinVar variation 1008299 (VCV001008299.9), dbSNP rs1966853809, ClinGen allele CA395123731.
Genomic context (GRCh38, chr16:23,629,228, plus strand): 5'-AAGACACGAGACACTGGAAGAGAATATTCTTCTGACCTTTAACTCTGAAACCAATTGTAG[G>C]TTGCCTGGGTTTATGCTATCAGAAGCAGGAAGCTCTGCTGTTTCAGTCTGTGAAAACAAA-3'
Protein context (NP_078951.2, residues 844-864): LPASDSINPG[Asn854Lys]LQLVSELKNP

ClinVar aggregate classification (germline): Uncertain significance (1 of 4 stars; one submission).

Conditions:
Familial cancer of breast. Also called: BREAST CANCER, FAMILIAL; Hereditary breast cancer; hereditary breast carcinoma. Identifiers: Orphanet 227535, MedGen C0346153, MONDO:0016419, OMIM 114480. Disease mechanism: loss of function.

Allele frequency attached by ClinVar (database versions not stated): gnomAD exomes below 0.00001.
gnomAD v4.1: 1 of 1,613,570 alleles (0.000062%); highest among the groups gnomAD compares: Non-Finnish European, 0.000085%; no homozygotes.

Submission:

Labcorp Genetics (formerly Invitae), Labcorp
Classification: Uncertain significance for Familial cancer of breast. Last evaluated: 2025-08-28. Review status: criteria provided, single submitter. Criteria: Invitae Variant Classification Sherloc (09022015). Collection method: clinical testing. Allele origin: germline.
Comment: This sequence change replaces asparagine, which is neutral and polar, with lysine, which is basic and polar, at codon 854 of the PALB2 protein (p.Asn854Lys). This variant is not present in population databases (gnomAD no frequency). This variant has not been reported in the literature in individuals affected with PALB2-related conditions. ClinVar contains an entry for this variant (Variation ID: 1008299). Invitae Evidence Modeling of protein sequence and biophysical properties (such as structural, functional, and spatial information, amino acid conservation, physicochemical variation, residue mobility, and thermodynamic stability) indicates that this missense variant is not expected to disrupt PALB2 protein function with a negative predictive value of 80%. In summary, the available evidence is currently insufficient to determine the role of this variant in disease. Therefore, it has been classified as a Variant of Uncertain Significance.